The following is an entry in ClinVar:

NM_002230.4(JUP):c.1990G>C (p.Val664Leu)

Gene: JUP (junction plakoglobin; minus strand). Cytogenetic location: 17q21.2.
Variant type: single nucleotide variant.
Coding change: c.1990G>C on transcript NM_002230.4 (MANE Select); coding-DNA position 1990, G replaced by C.
Protein change: p.Val664Leu; replaces valine 664 with leucine.
Molecular consequence: missense variant.
Genome position (GRCh38, 1-based): chr17:41,757,471, C>G on the plus strand (G>C on the coding strand, the complement: JUP is on the minus strand). VCF-style: chr17-41757471-C-G. GRCh37 (hg19) VCF-style: chr17-39913723-C-G.
Other names: c.1990G>C, p.Val664Leu (NM_001352773.2, NM_001352774.2, NM_001352775.2 and 3 more transcripts); short protein forms V664L.
Identifiers: ClinVar variation 1492058 (VCV001492058.6), dbSNP rs782695128, ClinGen allele CA399491853.
Genomic context (GRCh38, chr17:41,757,471, plus strand): 5'-TCACAGCCTCCCAGGCAGCCGGGTCATGCTTGAAGAGGGAGTTGGTGAGCTCCACGGACA[C>G]GCGCTTCCGGTAGTCTGGGTTCTTGTCCTCGGAGATGCGGAACAGGACGGCAGCAGCGTA-3'
Protein context (NP_002221.1, residues 654-674): EDKNPDYRKR[Val664Leu]SVELTNSLFK

ClinVar aggregate classification (germline): Uncertain significance (1 of 4 stars; one submission).

Conditions:
Arrhythmogenic right ventricular dysplasia 12. Also called: ARRHYTHMOGENIC RIGHT VENTRICULAR DYSPLASIA, FAMILIAL, 12. Identifiers: MedGen C1969081, MONDO:0012684, OMIM 611528.
Naxos disease (NXD). Also called: PALMOPLANTAR KERATODERMA WITH ARRHYTHMOGENIC RIGHT VENTRICULAR CARDIOMYOPATHY AND WOOLLY HAIR; WOOLLY HAIR, PALMOPLANTAR KERATODERMA, AND CARDIAC ABNORMALITIES; CARDIOMYOPATHY, ARRHYTHMOGENIC RIGHT VENTRICULAR, WITH SKIN, HAIR, AND NAIL ABNORMALITIES; KERATOSIS PALMOPLANTARIS WITH ARRHYTHMOGENIC CARDIOMYOPATHY; MAL DE NAXOS. Identifiers: Orphanet 34217, MedGen C1832600, MONDO:0011017, OMIM 601214.

Submission:

Labcorp Genetics (formerly Invitae), Labcorp
Classification: Uncertain significance for Arrhythmogenic right ventricular dysplasia 12; Naxos disease. Last evaluated: 2021-09-21. Review status: criteria provided, single submitter. Criteria: Invitae Variant Classification Sherloc (09022015). Collection method: clinical testing. Allele origin: germline.
Comment: In summary, the available evidence is currently insufficient to determine the role of this variant in disease. Therefore, it has been classified as a Variant of Uncertain Significance. Algorithms developed to predict the effect of missense changes on protein structure and function (SIFT, PolyPhen-2, Align-GVGD) all suggest that this variant is likely to be tolerated. This variant has not been reported in the literature in individuals affected with JUP-related conditions. This variant is not present in population databases (ExAC no frequency). This sequence change replaces valine with leucine at codon 664 of the JUP protein (p.Val664Leu). The valine residue is moderately conserved and there is a small physicochemical difference between valine and leucine.